The following is an entry in ClinVar:

NM_012431.3(SEMA3E):c.2061G>A (p.Glu687=)

Gene: SEMA3E (semaphorin 3E; minus strand). Cytogenetic location: 7q21.11.
Variant type: single nucleotide variant.
Coding change: c.2061G>A on transcript NM_012431.3 (MANE Select); coding-DNA position 2061, G replaced by A.
Protein change: p.Glu687=; no amino-acid change (glutamic acid 687 retained).
Molecular consequence: synonymous variant.
Genome position (GRCh38, 1-based): chr7:83,367,853, C>T on the plus strand (G>A on the coding strand, the complement: SEMA3E is on the minus strand). VCF-style: chr7-83367853-C-T. GRCh37 (hg19) VCF-style: chr7-82997169-C-T.
Other names: c.1881G>A, p.Glu627= (NM_001178129.2).
Identifiers: ClinVar variation 4990274 (VCV004990274.1).

ClinVar aggregate classification (germline): Likely benign (1 of 4 stars; one submission).

Conditions:
SEMA3E-related disorder. Also called: SEMA3E-related condition.

gnomAD v4.1: 6 of 1,612,890 alleles (0.00037%); highest among the groups gnomAD compares: African/African-American, 0.0067%; no homozygotes.

Submission:

PreventionGenetics, part of Exact Sciences
Classification: Likely benign for SEMA3E-related condition. Last evaluated: 2025-04-21. Review status: criteria provided, single submitter. Criteria: ACMG Guidelines, 2015. Collection method: clinical testing. Allele origin: germline.
Comment: This variant is classified as likely benign based on ACMG/AMP sequence variant interpretation guidelines (Richards et al. 2015 PMID: 25741868, with internal and published modifications).